The following is an entry in ClinVar:

ClinVar aggregate classification (germline): Uncertain significance (1 of 4 stars; one submission).

Conditions:
Combined immunodeficiency due to LRBA deficiency. Also called: Common variable immunodeficiency 8, with autoimmunity. Identifiers: Orphanet 445018, MedGen C3553512, MONDO:0013863, OMIM 614700.

Submission:

Labcorp Genetics (formerly Invitae), Labcorp
Classification: Uncertain significance for Combined immunodeficiency due to LRBA deficiency. Last evaluated: 2024-08-13. Review status: criteria provided, single submitter. Criteria: Invitae Variant Classification Sherloc (09022015). Collection method: clinical testing. Allele origin: germline.
Comment: This sequence change replaces arginine, which is basic and polar, with cysteine, which is neutral and slightly polar, at codon 7 of the LRBA protein (p.Arg7Cys). This variant is not present in population databases (gnomAD no frequency). This variant has not been reported in the literature in individuals affected with LRBA-related conditions. ClinVar contains an entry for this variant (Variation ID: 844186). An algorithm developed to predict the effect of missense changes on protein structure and function (PolyPhen-2) suggests that this variant¬†is likely to be tolerated. In summary, the available evidence is currently insufficient to determine the role of this variant in disease. Therefore, it has been classified as a Variant of Uncertain Significance.

NM_001364905.1(LRBA):c.19C>T (p.Arg7Cys)

Gene: LRBA (LPS responsive beige-like anchor protein; minus strand). Cytogenetic location: 4q31.3.
Variant type: single nucleotide variant.
Coding change: c.19C>T on transcript NM_001364905.1 (MANE Select); coding-DNA position 19, C replaced by T.
Protein change: p.Arg7Cys; replaces arginine 7 with cysteine.
Molecular consequence: missense variant.
Genome position (GRCh38, 1-based): chr4:151,014,624, G>A on the plus strand (C>T on the coding strand, the complement: LRBA is on the minus strand). VCF-style: chr4-151014624-G-A. GRCh37 (hg19) VCF-style: chr4-151935776-G-A.
Other names: c.19C>T, p.Arg7Cys (NM_001199282.3, NM_001367550.1, NM_006726.5); short protein forms R7C.
Identifiers: ClinVar variation 844186 (VCV000844186.6), dbSNP rs1163553946, ClinGen allele CA358611229.
Genomic context (GRCh38, chr4:151,014,624, plus strand): 5'-GGGTTTCTTCTCTCCCTCCACCTCCCCCGTCATCACCTGTTGGTGGCGGGGAAGGGACAC[G>A]ATTGTCTTCGCTAGCCATTGCTAGCTCACGATAAAGGACAACTCAGAGTCACCCTGGGAC-3'
Protein context (NP_001351834.1, residues 1-17): MASEDN[Arg7Cys]VPSPPPTGDD